The following is an entry in ClinVar:

NM_005639.3(SYT1):c.474+3C>A

Gene: SYT1 (synaptotagmin 1; plus strand). Cytogenetic location: 12q21.2.
Variant type: single nucleotide variant.
Coding change: c.474+3C>A on transcript NM_005639.3 (MANE Select); 3 bases into the intron after coding-DNA position 474, C replaced by A.
Molecular consequence: intron variant.
Genome position (GRCh38, 1-based): chr12:79,292,133, C>A. VCF-style: chr12-79292133-C-A. GRCh37 (hg19) VCF-style: chr12-79685913-C-A.
Other names: c.474+3C>A (NM_001135805.2, NM_001135806.2, NM_001135805.1); c.465+3C>A (NM_001291901.2).
Identifiers: ClinVar variation 1334917 (VCV001334917.5), dbSNP rs2272500, ClinGen allele CA6698828.

ClinVar aggregate classification (germline): Benign. Review status: criteria provided, multiple submitters, no conflicts (2 of 4 stars). 3 submissions from 3 submitters: Benign (2). 1 of the submissions does not count toward it. Last evaluated 2021-07-15.

Conditions:
Infantile hypotonia-oculomotor anomalies-hyperkinetic movements-developmental delay syndrome. Also called: BAKER-GORDON SYNDROME; NEURODEVELOPMENTAL DISORDER WITH INVOLUNTARY MOVEMENT AND ABNORMAL ELECTROENCEPHALOGRAM. Identifiers: Orphanet 522077, MedGen C4748715, MONDO:0033864, OMIM 618218.
SYT1-related disorder. Also called: SYT1-related condition.

Allele frequency attached by ClinVar (database versions not stated): gnomAD 0.34935 and 0.35735; TOPMed 0.34986; ESP Exome Variant Server 0.35191; gnomAD exomes 0.36247 and 0.37236; ExAC 0.37419; 1000 Genomes Project 30x 0.41068; 1000 Genomes Project 0.41234.
gnomAD v4.1: 583,587 of 1,609,632 alleles (36%); highest among the groups gnomAD compares: East Asian, 58%; 108,470 homozygotes.

Submissions (3):

Genome-Nilou Lab
Classification: Benign for Infantile hypotonia-oculomotor anomalies-hyperkinetic movements-developmental delay syndrome. Last evaluated: 2021-07-15. Review status: criteria provided, single submitter. Criteria: ACMG Guidelines, 2015. Collection method: clinical testing. Allele origin: germline. Affected: no.

Breakthrough Genomics
Classification: Benign. Review status: criteria provided, single submitter. Criteria: ACMG Guidelines, 2015. Collection method: not provided. Allele origin: germline. Inheritance: Autosomal dominant inheritance. Affected: yes.

PreventionGenetics, part of Exact Sciences
Classification: Benign for SYT1-related condition. Last evaluated: 2019-10-21. Review status: no assertion criteria provided. Collection method: clinical testing. Allele origin: germline. Not counted in ClinVar's aggregate classification.
Comment: This variant is classified as benign based on ACMG/AMP sequence variant interpretation guidelines (Richards et al. 2015 PMID: 25741868, with internal and published modifications).